The following is an entry in ClinVar:

NM_000130.5(F5):c.457_472dup (p.Ser158delinsLysTyrGlnTer)

Gene: F5 (coagulation factor V; minus strand). Cytogenetic location: 1q24.2.
Variant type: Duplication.
Coding change: c.457_472dup on transcript NM_000130.5 (MANE Select); coding-DNA positions 457 to 472, 16 bases duplicated (AGTATCAGTGAGGACA).
Protein change: p.Ser158delinsLysTyrGlnTer.
Molecular consequence: nonsense.
Genome position (GRCh38, 1-based): chr1:169,560,668-169,560,683, TGTCCTCACTGATACT duplicated on the plus strand (AGTATCAGTGAGGACA on the coding strand, the reverse complement: F5 is on the minus strand). VCF-style (leftmost placement, unchanged base first): chr1-169560667-C-CTGTCCTCACTGATACT. GRCh37 (hg19) VCF-style: chr1-169529905-C-CTGTCCTCACTGATACT.
Identifiers: ClinVar variation 4706877 (VCV004706877.1).

ClinVar aggregate classification (germline): Pathogenic (1 of 4 stars; one submission).

Conditions:
Congenital factor V deficiency. Also called: Hereditary factor V deficiency disease; LABILE FACTOR DEFICIENCY; OWREN PARAHEMOPHILIA; PARAHEMOPHILIA. Identifiers: Orphanet 326, MedGen C0015499, MONDO:0009210, OMIM 227400.

Submission:

Labcorp Genetics (formerly Invitae), Labcorp
Classification: Pathogenic for Congenital factor V deficiency. Last evaluated: 2025-04-17. Review status: criteria provided, single submitter. Criteria: Invitae Variant Classification Sherloc (09022015). Collection method: clinical testing. Allele origin: germline.
Comment: This sequence change creates a premature translational stop signal (p.Ser158Lysfs*4) in the F5 gene. It is expected to result in an absent or disrupted protein product. Loss-of-function variants in F5 are known to be pathogenic (PMID: 30924984). This variant is not present in population databases (gnomAD no frequency). This variant has not been reported in the literature in individuals affected with F5-related conditions. For these reasons, this variant has been classified as Pathogenic.

Literature cited by the submitters: PubMed 30924984.